The following is an entry in ClinVar:

ClinVar aggregate classification (germline): Uncertain significance (1 of 4 stars; one submission).

Conditions:
Retinoblastoma (RB1). Also called: RETINOBLASTOMA, SOMATIC. Identifiers: Orphanet 790, MedGen C0035335, MeSH D012175, MONDO:0008380, OMIM 180200, HP:0009919. Disease mechanism: loss of function. Inheritance: Both sporadic and heritable forms are tested..

Submission:

Labcorp Genetics (formerly Invitae), Labcorp
Classification: Uncertain significance for Retinoblastoma. Last evaluated: 2019-09-07. Review status: criteria provided, single submitter. Criteria: Invitae Variant Classification Sherloc (09022015). Collection method: clinical testing. Allele origin: germline.
Comment: In summary, the available evidence is currently insufficient to determine the role of this variant in disease. Therefore, it has been classified as a Variant of Uncertain Significance. Nucleotide substitutions within the consensus splice site are a relatively common cause of aberrant splicing (PMID: 17576681, 9536098). Algorithms developed to predict the effect of sequence changes on RNA splicing suggest that this variant may disrupt the consensus splice site, but this prediction has not been confirmed by published transcriptional studies. This variant has not been reported in the literature in individuals with RB1-related conditions. This variant is not present in population databases (ExAC no frequency). This sequence change falls in intron 19 of the RB1 gene. It does not directly change the encoded amino acid sequence of the RB1 protein, but it affects a nucleotide within the consensus splice site of the intron.

Literature cited by the submitters: PubMed 17576681; PubMed 9536098.

NM_000321.3(RB1):c.1960+6T>G

Gene: RB1 (RB transcriptional corepressor 1; plus strand). Cytogenetic location: 13q14.2.
Variant type: single nucleotide variant.
Coding change: c.1960+6T>G on transcript NM_000321.3 (MANE Select); 6 bases into the intron after coding-DNA position 1960, T replaced by G.
Molecular consequence: intron variant.
Genome position (GRCh38, 1-based): chr13:48,456,355, T>G. VCF-style: chr13-48456355-T-G. GRCh37 (hg19) VCF-style: chr13-49030491-T-G.
Identifiers: ClinVar variation 934025 (VCV000934025.9), dbSNP rs1949360394, ClinGen allele CA1139663310.
Genomic context (GRCh38, chr13:48,456,355, plus strand): 5'-TTCCAGACCCAGAAGCCATTGAAATCTACCTCTCTTTCACTGTTTTATAAAAAAGGTTAG[T>G]AGATGATTATTTTCAAGAGCATGGACTCTGAAACTAGGCTGACTGGGTTCAAATCATGTT-3'